The following is an entry in ClinVar:

ClinVar aggregate classification (germline): Uncertain significance (1 of 4 stars; one submission).

Conditions:
Hereditary cancer-predisposing syndrome. Also called: Tumor predisposition; Hereditary neoplastic syndrome; Hereditary Cancer Syndrome; Neoplastic Syndromes, Hereditary. Identifiers: Orphanet 140162, MedGen C0027672, MeSH D009386, MONDO:0015356.

Submission:

Ambry Genetics
Classification: Uncertain significance for Hereditary cancer-predisposing syndrome. Last evaluated: 2025-04-18. Review status: criteria provided, single submitter. Criteria: Ambry Variant Classification Scheme 2023. Collection method: clinical testing. Allele origin: germline.
Comment: The p.I200N variant (also known as c.599T>A), located in coding exon 5 of the SUFU gene, results from a T to A substitution at nucleotide position 599. The isoleucine at codon 200 is replaced by asparagine, an amino acid with dissimilar properties. This amino acid position is conserved. In addition, this alteration is predicted to be deleterious by in silico analysis. Based on the available evidence, the clinical significance of this variant remains unclear.

NM_016169.4(SUFU):c.599T>A (p.Ile200Asn)

Gene: SUFU (SUFU negative regulator of hedgehog signaling; plus strand). Cytogenetic location: 10q24.32.
Variant type: single nucleotide variant.
Coding change: c.599T>A on transcript NM_016169.4 (MANE Select); coding-DNA position 599, T replaced by A.
Protein change: p.Ile200Asn; replaces isoleucine 200 with asparagine.
Molecular consequence: missense variant.
Genome position (GRCh38, 1-based): chr10:102,593,637, T>A. VCF-style: chr10-102593637-T-A. GRCh37 (hg19) VCF-style: chr10-104353394-T-A.
Other names: c.599T>A, p.Ile200Asn (NM_001178133.2); short protein forms I200N.
Identifiers: ClinVar variation 3963866 (VCV003963866.1).